The following is an entry in ClinVar:

NM_001754.5(RUNX1):c.586A>G (p.Thr196Ala)

Genes: RUNX1 (RUNX family transcription factor 1; minus strand), RUNX1-AS1 (RUNX1 antisense RNA 1; plus strand). Cytogenetic location: 21q22.12.
Variant type: single nucleotide variant.
Coding change: c.586A>G on transcript NM_001754.5 (MANE Select); coding-DNA position 586, A replaced by G.
Protein change: p.Thr196Ala; replaces threonine 196 with alanine.
Molecular consequence: missense variant.
Genome position (GRCh38, 1-based): chr21:34,859,501, T>C on the plus strand (A>G on the coding strand, the complement: RUNX1 is on the minus strand). VCF-style: chr21-34859501-T-C. GRCh37 (hg19) VCF-style: chr21-36231798-T-C.
Other names: NM_001754.5(RUNX1):c.586A>G; p.Thr196Ala; c.505A>G, p.Thr169Ala (NM_001001890.3, NM_001122607.2); short protein forms T169A, T196A.
Identifiers: ClinVar variation 988811 (VCV000988811.5), dbSNP rs2057541324, ClinGen allele CA410207987.

ClinVar aggregate classification (germline): Likely pathogenic. Review status: reviewed by expert panel (3 of 4 stars). 3 submissions from 3 submitters: Likely pathogenic (1). 2 of the submissions do not count toward it. Last evaluated 2026-10-05.

Conditions:
Hereditary thrombocytopenia and hematological cancer predisposition syndrome associated with RUNX1. Also called: Familial Platelet Disorder with Propensity to Acute Myelogenous Leukemia; Familial thrombocytopenia with propensity to acute myelogenous leukemia; RUNX1 Familial Platelet Disorder with Associated Myeloid Malignancies; PLATELET DISORDER, ASPIRIN-LIKE. Identifiers: Orphanet 71290, MedGen C1832388, MeSH C563324, MONDO:0100083, OMIM 601399.
Hereditary thrombocytopenia and hematologic cancer predisposition syndrome. Identifiers: Orphanet 71290, MedGen CN281654, MONDO:0011071.
Thrombocytopenia. Identifiers: MedGen C0040034, MeSH D013921, MONDO:0002049, HP:0001873.
Abnormal bleeding. Also called: Bleeding diathesis. Identifiers: MedGen C1458140, HP:0001892.

Submissions (3):

ClinGen Myeloid Malignancy Variant Curation Expert Panel
Classification: Likely pathogenic for Hereditary thrombocytopenia and hematologic cancer predisposition syndrome. Last evaluated: 2026-10-05. Review status: reviewed by expert panel. Criteria: ClinGen MyeloMalig ACMG Specifications V3.1. Collection method: curation. Allele origin: germline. Inheritance: Autosomal dominant inheritance.
Comment: NM_001754.4:c.586A>G (p.Thr196Ala) is a missense variant which affects one of the hotspot residues (Thr196) within the RHD (amino acids 89-204; PM1_Strong). This variant has a REVEL score ≥ 0.88 (0.96) (PP3) and is completely absent from all population databases with at least 20x coverage for RUNX1 (PM2_Supporting). This variant has been reported in two probands meeting at least one of the RUNX1-phenotypic criteria (PS4_Moderate; PMIDs: 27479822, 31698193). In summary, this variant meets the criteria to be classified as likely pathogenic. ACMG/AMP criteria applied, as specified by the Myeloid Malignancy Variant Curation Expert Panel for RUNX1: PM1_Strong, PP3, PM2_Supporting, PS4_Supporting.

ISTH-SSC Genomics in Thrombosis and Hemostasis, KU Leuven, Center for Molecular and Vascular Biology
Classification: Pathogenic for Hereditary thrombocytopenia and hematological cancer predisposition syndrome associated with RUNX1. Review status: criteria provided, single submitter. Criteria: ACMG Guidelines, 2015. Collection method: clinical testing. Allele origin: germline. Affected: yes. Observed: 1 heterozygote. Not counted in ClinVar's aggregate classification.
Comment: Submitted to GoldVariant by Jose María Bastida and José Rivera; Grupo Español de Alteraciones Plaquetarias Congénitas (GEAPC)

Birmingham Platelet Group; University of Birmingham
Classification: Likely pathogenic for Thrombocytopenia; Abnormal bleeding. Last evaluated: 2020-05-01. Review status: no assertion criteria provided. Collection method: research. Allele origin: germline. Affected: yes. Not counted in ClinVar's aggregate classification.

Literature cited by the submitters: PubMed 31698193 (cited by ISTH-SSC Genomics in Thrombosis and Hemostasis, KU Leuven, Center for Molecular and Vascular Biology).